The following is an entry in ClinVar:

NM_006231.4(POLE):c.5205C>T (p.Ala1735=)

Gene: POLE (DNA polymerase epsilon, catalytic subunit; minus strand). Cytogenetic location: 12q24.33.
Variant type: single nucleotide variant.
Coding change: c.5205C>T on transcript NM_006231.4 (MANE Select); coding-DNA position 5205, C replaced by T.
Protein change: p.Ala1735=; no amino-acid change (alanine 1735 retained).
Molecular consequence: synonymous variant.
Genome position (GRCh38, 1-based): chr12:132,641,820, G>A on the plus strand (C>T on the coding strand, the complement: POLE is on the minus strand). VCF-style: chr12-132641820-G-A. GRCh37 (hg19) VCF-style: chr12-133218406-G-A.
Identifiers: ClinVar variation 484533 (VCV000484533.18), dbSNP rs778829972, ClinGen allele CA6892594.

ClinVar aggregate classification (germline): Likely benign. Review status: criteria provided, multiple submitters, no conflicts (2 of 4 stars). 5 submissions from 5 submitters: Likely benign (5). Last evaluated 2025-12-03.

Conditions:
Hereditary cancer-predisposing syndrome. Also called: Tumor predisposition; Hereditary Cancer Syndrome; Neoplastic Syndromes, Hereditary; Hereditary neoplastic syndrome. Identifiers: Orphanet 140162, MedGen C0027672, MeSH D009386, MONDO:0015356.

Allele frequency attached by ClinVar (database versions not stated): gnomAD 0.00001; gnomAD exomes 0.00001 and 0.00002; TOPMed 0.00001; ExAC 0.00002.
gnomAD v4.1: 18 of 1,601,930 alleles (0.0011%); highest among the groups gnomAD compares: Admixed American, 0.0033%; no homozygotes.

Submissions (5):

Labcorp Genetics (formerly Invitae), Labcorp
Classification: Likely benign. Last evaluated: 2025-12-03. Review status: criteria provided, single submitter. Criteria: Invitae Variant Classification Sherloc (09022015). Collection method: clinical testing. Allele origin: germline.

Blueprint Genetics
Classification: Likely benign. Last evaluated: 2022-12-26. Review status: criteria provided, single submitter. Criteria: ACMG Guidelines, 2015. Collection method: clinical testing. Allele origin: germline.

Sema4
Classification: Likely benign for Hereditary cancer-predisposing syndrome. Last evaluated: 2021-01-26. Review status: criteria provided, single submitter. Criteria: Sema4 Curation Guidelines. Collection method: curation. Allele origin: germline.

GeneDx
Classification: Likely benign. Last evaluated: 2017-06-08. Review status: criteria provided, single submitter. Criteria: GeneDx Variant Classification (06012015). Collection method: clinical testing. Allele origin: germline. Affected: yes.
Comment: This variant is considered likely benign or benign based on one or more of the following criteria: it is a conservative change, it occurs at a poorly conserved position in the protein, it is predicted to be benign by multiple in silico algorithms, and/or has population frequency not consistent with disease.

Ambry Genetics
Classification: Likely benign for Hereditary cancer-predisposing syndrome. Last evaluated: 2016-06-20. Review status: criteria provided, single submitter. Criteria: Ambry Variant Classification Scheme 2023. Collection method: clinical testing. Allele origin: germline.